The following is an entry in ClinVar:

ClinVar aggregate classification (germline): Conflicting classifications of pathogenicity. Review status: criteria provided, conflicting classifications (1 of 4 stars). 13 submissions from 13 submitters: Uncertain significance (2); Benign (1); Likely benign (9). 1 of the submissions does not count toward it. Last evaluated 2026-04-01.

Conditions:
TTN-related disorder. Also called: TTN-related condition; TTN-related disease; TTN-related disorders.
Dilated cardiomyopathy 1G (CMD1G). Identifiers: Orphanet 154, MedGen C1858763, MONDO:0011400, OMIM 604145.
Autosomal recessive limb-girdle muscular dystrophy type 2J (LGMDR10). Also called: Limb-girdle muscular dystrophy, type 2J; MUSCULAR DYSTROPHY, LIMB-GIRDLE, AUTOSOMAL RECESSIVE 10. Identifiers: Orphanet 140922, MedGen C1837342, MONDO:0012127, OMIM 608807.
Cardiovascular phenotype. Identifiers: MedGen CN230736.

Allele frequency attached by ClinVar (database versions not stated): gnomAD exomes 0.00010 and 0.00026; ExAC 0.00042; 1000 Genomes Project 30x 0.00047; 1000 Genomes Project 0.00060; ESP Exome Variant Server 0.00083; gnomAD 0.00111 and 0.00124; TOPMed 0.00120.
gnomAD v4.1: 312 of 1,606,986 alleles (0.019%); highest among the groups gnomAD compares: African/African-American, 0.39%; 3 homozygotes.

Submissions (13):

CeGaT Center for Human Genetics Tuebingen
Classification: Likely benign. Last evaluated: 2026-04-01. Review status: criteria provided, single submitter. Criteria: CeGaT Center For Human Genetics Tuebingen Variant Classification Criteria Version 2. Collection method: clinical testing. Allele origin: germline. Affected: yes. Observed: 2 variant alleles.
Comment: TTN: BS2

Labcorp Genetics (formerly Invitae), Labcorp
Classification: Likely benign for Dilated cardiomyopathy 1G; Autosomal recessive limb-girdle muscular dystrophy type 2J. Last evaluated: 2026-02-03. Review status: criteria provided, single submitter. Criteria: Invitae Variant Classification Sherloc (09022015). Collection method: clinical testing. Allele origin: germline.

Mayo Clinic Laboratories, Mayo Clinic
Classification: Likely benign. Last evaluated: 2025-06-12. Review status: criteria provided, single submitter. Criteria: ACMG Guidelines, 2015. Collection method: clinical testing. Allele origin: germline. Observed: 4 variant alleles.
Comment: BS1, BP4

Molecular Diagnostic Laboratory for Inherited Cardiovascular Disease, Montreal Heart Institute
Classification: Likely benign. Last evaluated: 2025-04-09. Review status: criteria provided, single submitter. Criteria: ACMG Guidelines, 2015. Collection method: clinical testing. Allele origin: germline. Affected: no.

Blueprint Genetics
Classification: Likely benign. Last evaluated: 2024-09-13. Review status: criteria provided, single submitter. Criteria: ACMG Guidelines, 2015. Collection method: clinical testing. Allele origin: germline.

ARUP Laboratories, Molecular Genetics and Genomics, ARUP Laboratories
Classification: Likely benign. Last evaluated: 2023-11-06. Review status: criteria provided, single submitter. Criteria: ARUP Molecular Germline Variant Investigation Process 2024. Collection method: clinical testing. Allele origin: germline.

Women's Health and Genetics/Laboratory Corporation of America, LabCorp
Classification: Benign. Last evaluated: 2022-05-09. Review status: criteria provided, single submitter. Criteria: LabCorp Variant Classification Summary - May 2015. Collection method: clinical testing. Allele origin: germline.
Comment: Variant summary: TTN c.53618A>G (p.Asn17873Ser) results in a conservative amino acid change located in the A-band region of the encoded protein sequence. Four of five in-silico tools predict a benign effect of the variant on protein function. The variant allele was found at a frequency of 0.00035 in 273254 control chromosomes (gnomAD), predominantly at a frequency of 0.0037 within the African or African-American subpopulation in the gnomAD database, including 2 homozygotes. The observed variant frequency within African or African-American control individuals in the gnomAD database is approximately 9 fold of the estimated maximal expected allele frequency for a pathogenic variant in TTN causing Dilated Cardiomyopathy phenotype (0.00039), strongly suggesting that the variant is a benign polymorphism found primarily in populations of African or African-American origin. To our knowledge, no occurrence of c.53618A>G in individuals affected with Dilated Cardiomyopathy and no experimental evidence demonstrating its impact on protein function have been reported. Five ClinVar submitters have assessed the variant since 2014: two classify the variant as of uncertain significance and three as likely benign. Based on the evidence outlined above, the variant was classified as benign.

GeneDx
Classification: Likely benign. Last evaluated: 2020-07-27. Review status: criteria provided, single submitter. Criteria: GeneDx Variant Classification Process June 2021. Collection method: clinical testing. Allele origin: germline. Affected: yes.

Ambry Genetics
Classification: Likely benign for Cardiovascular phenotype. Last evaluated: 2018-08-02. Review status: criteria provided, single submitter. Criteria: Ambry Variant Classification Scheme 2023. Collection method: clinical testing. Allele origin: germline.

Eurofins Ntd Llc (ga)
Classification: Uncertain significance. Last evaluated: 2017-02-27. Review status: criteria provided, single submitter. Criteria: EGL Classification Definitions 2015. Collection method: clinical testing. Allele origin: germline. Observed: 5 variant alleles, 5 heterozygotes.

Genetic Services Laboratory, University of Chicago
Classification: Uncertain significance. Last evaluated: 2014-02-07. Review status: criteria provided, single submitter. Criteria: ACMG Guidelines, 2007. Collection method: clinical testing. Allele origin: germline.

Laboratory for Molecular Medicine, Mass General Brigham Personalized Medicine
Classification: Likely benign. Last evaluated: 2013-02-22. Review status: criteria provided, single submitter. Criteria: LMM Criteria. Collection method: clinical testing. Allele origin: germline. Observed: 2 variant alleles.
Comment: Asn17873Ser in exon 253 of TTN: This variant is not expected to have clinical si gnificance because it has been identified in 0.3% (10/3832) of African American chromosomes from a broad population by the NHLBI Exome Sequencing Project (dbSNP rs147580753) and in 1/176 chromosomes from a population of Yoruba individuals by the 1000 Genomes project (dbSNP rs147580753 ). Asn17873Ser in exon 253 of TTN (rs147580753; allele frequency = 0.3%, 10/38 32) **

PreventionGenetics, part of Exact Sciences
Classification: Likely benign for TTN-related condition. Last evaluated: 2020-03-10. Review status: no assertion criteria provided. Collection method: clinical testing. Allele origin: germline. Not counted in ClinVar's aggregate classification.
Comment: This variant is classified as likely benign based on ACMG/AMP sequence variant interpretation guidelines (Richards et al. 2015 PMID: 25741868, with internal and published modifications).

NM_001267550.2(TTN):c.61322A>G (p.Asn20441Ser)

Genes: TTN (titin; minus strand), TTN-AS1 (TTN antisense RNA 1; plus strand). Cytogenetic location: 2q31.2.
Variant type: single nucleotide variant.
Coding change: c.61322A>G on transcript NM_001267550.2 (MANE Select); coding-DNA position 61322, A replaced by G.
Protein change: p.Asn20441Ser; replaces asparagine 20441 with serine.
Molecular consequence: missense variant.
Genome position (GRCh38, 1-based): chr2:178,590,403, T>C on the plus strand (A>G on the coding strand, the complement: TTN is on the minus strand). VCF-style: chr2-178590403-T-C. GRCh37 (hg19) VCF-style: chr2-179455130-T-C.
Other names: p.N18800S:AAT>AGT; c.56399A>G, p.Asn18800Ser (NM_001256850.1); c.34127A>G, p.Asn11376Ser (NM_003319.4); c.53618A>G, p.Asn17873Ser (NM_133378.4); c.34502A>G, p.Asn11501Ser (NM_133432.3); c.34703A>G, p.Asn11568Ser (NM_133437.4); short protein forms N20441S, N17873S, N18800S, N11376S, N11568S, N11501S.
Identifiers: ClinVar variation 47172 (VCV000047172.49), dbSNP rs147580753, ClinGen allele CA140219.